The following is an entry in ClinVar:

ClinVar aggregate classification (germline): Uncertain significance (1 of 4 stars; one submission).

Conditions:
Hereditary cancer-predisposing syndrome. Also called: Hereditary neoplastic syndrome; Hereditary Cancer Syndrome; Neoplastic Syndromes, Hereditary; Tumor predisposition. Identifiers: Orphanet 140162, MedGen C0027672, MeSH D009386, MONDO:0015356.

Submission:

Ambry Genetics
Classification: Uncertain significance for Hereditary cancer-predisposing syndrome. Last evaluated: 2026-08-12. Review status: criteria provided, single submitter. Criteria: Ambry Variant Classification Scheme 2023. Collection method: clinical testing. Allele origin: germline.
Comment: The p.G460C variant (also known as c.1378G>T), located in coding exon 4 of the MSH6 gene, results from a G to T substitution at nucleotide position 1378. The glycine at codon 460 is replaced by cysteine, an amino acid with highly dissimilar properties. This amino acid position is highly conserved in available vertebrate species. In addition, this alteration is predicted to be deleterious by in silico analysis. Based on the available evidence, the clinical significance of this variant remains unclear.

NM_000179.3(MSH6):c.1378G>T (p.Gly460Cys)

Gene: MSH6 (mutS homolog 6; plus strand). Cytogenetic location: 2p16.3.
Variant type: single nucleotide variant.
Coding change: c.1378G>T on transcript NM_000179.3 (MANE Select); coding-DNA position 1378, G replaced by T.
Protein change: p.Gly460Cys; replaces glycine 460 with cysteine.
Molecular consequence: missense variant. On other transcripts: non-coding transcript variant (4), intron variant (1).
Genome position (GRCh38, 1-based): chr2:47,799,361, G>T. VCF-style: chr2-47799361-G-T. GRCh37 (hg19) VCF-style: chr2-48026500-G-T.
Other names: c.988G>T, p.Gly330Cys (NM_001281492.2); c.472G>T, p.Gly158Cys (NM_001281493.2, NM_001281494.2, NM_001406812.1 and 6 more transcripts); c.1474G>T, p.Gly492Cys (NM_001406795.1, NM_001406802.1); c.1378G>T, p.Gly460Cys (NM_001406796.1, NM_001406798.1, NM_001406800.1 and 4 more transcripts); c.1081G>T, p.Gly361Cys (NM_001406797.1, NM_001406818.1, NM_001406819.1 and 10 more transcripts); c.853G>T, p.Gly285Cys (NM_001406799.1, NM_001406806.1, NM_001406807.1); c.1384G>T, p.Gly462Cys (NM_001406813.1); c.628-1305G>T (NM_001407362.1); and 2 more; short protein forms G361C, G404C, G158C, G434C, G285C, G330C, G462C, G492C.
Identifiers: ClinVar variation 2609841 (VCV002609841.3), dbSNP rs748847338, ClinGen allele CA346744970.